The following is an entry in ClinVar:

ClinVar aggregate classification (germline): Uncertain significance (1 of 4 stars; one submission).

Conditions:
Pheochromocytoma. Also called: MAX-Related Hereditary Paraganglioma-Pheochromocytoma Syndrome. Identifiers: Orphanet 29072, MedGen C0031511, MONDO:0008233, OMIM 171300, HP:0002666.
Pheochromocytoma/paraganglioma syndrome 4. Also called: CAROTID BODY TUMORS AND MULTIPLE EXTRAADRENAL PHEOCHROMOCYTOMAS; PARAGANGLIOMA, FAMILIAL MALIGNANT; PARAGANGLIOMAS, HEREDITARY EXTRAADRENAL; PHEOCHROMOCYTOMA, FAMILIAL EXTRAADRENAL; Paragangliomas 4; SDHB-Related Hereditary Paraganglioma-Pheochromocytoma Syndrome (Paragangliomas 4). Identifiers: Orphanet 29072, MedGen C1861848, MONDO:0007273, OMIM 115310.
Gastrointestinal stromal tumor. Also called: Gastrointestinal stromal tumor, somatic; Gastrointestinal stroma tumor. Identifiers: Orphanet 44890, MedGen C0238198, MeSH D046152, MONDO:0011719, OMIM 606764, HP:0100723.

Submission:

Labcorp Genetics (formerly Invitae), Labcorp
Classification: Uncertain significance for Gastrointestinal stromal tumor; Pheochromocytoma/paraganglioma syndrome 4; Pheochromocytoma. Last evaluated: 2024-03-10. Review status: criteria provided, single submitter. Criteria: Invitae Variant Classification Sherloc (09022015). Collection method: clinical testing. Allele origin: germline.
Comment: This sequence change replaces cysteine, which is neutral and slightly polar, with tryptophan, which is neutral and slightly polar, at codon 101 of the SDHB protein (p.Cys101Trp). This variant is not present in population databases (gnomAD no frequency). This missense change has been observed in individual(s) with pheochromocytoma–paraganglioma (PMID: 31492822). Advanced modeling of protein sequence and biophysical properties (such as structural, functional, and spatial information, amino acid conservation, physicochemical variation, residue mobility, and thermodynamic stability) performed at Invitae indicates that this missense variant is expected to disrupt SDHB protein function with a positive predictive value of 80%. This variant disrupts the p.Cys101 amino acid residue in SDHB. Other variant(s) that disrupt this residue have been observed in individuals with SDHB-related conditions (PMID: 31492822; Invitae), which suggests that this may be a clinically significant amino acid residue. In summary, the available evidence is currently insufficient to determine the role of this variant in disease. Therefore, it has been classified as a Variant of Uncertain Significance.

Literature cited by the submitters: PubMed 31492822.

NM_003000.3(SDHB):c.303T>G (p.Cys101Trp)

Gene: SDHB (succinate dehydrogenase complex iron sulfur subunit B; minus strand). Cytogenetic location: 1p36.13.
Variant type: single nucleotide variant.
Coding change: c.303T>G on transcript NM_003000.3 (MANE Select); coding-DNA position 303, T replaced by G.
Protein change: p.Cys101Trp; replaces cysteine 101 with tryptophan.
Molecular consequence: missense variant.
Genome position (GRCh38, 1-based): chr1:17,028,720, A>C on the plus strand (T>G on the coding strand, the complement: SDHB is on the minus strand). VCF-style: chr1-17028720-A-C. GRCh37 (hg19) VCF-style: chr1-17355215-A-C.
Other names: c.303T>G, p.Cys101Trp (NM_001407361.1); short protein forms C101W.
Identifiers: ClinVar variation 3763409 (VCV003763409.2).
Genomic context (GRCh38, chr1:17,028,720, plus strand): 5'-GAGGTTGGTGTCAATCCTTCGGGTGCAAGCTAGAGTGTTGCCTCCATTGATGTTCATTGC[A>C]CAAGAGCCACAGATGCCTGAAAGAGACACACATTTAACACATCCTCACCCATATCCGGAA-3'
Protein context (NP_002991.2, residues 91-111): RSCREGICGS[Cys101Trp]AMNINGGNTL